The following is an entry in ClinVar:

ClinVar aggregate classification (germline): Uncertain significance (1 of 4 stars; one submission).

Submission:

Ambry Genetics
Classification: Uncertain significance. Last evaluated: 2025-03-27. Review status: criteria provided, single submitter. Criteria: Ambry Variant Classification Scheme 2023. Collection method: clinical testing. Allele origin: germline.
Comment: The p.D412V variant (also known as c.1235A>T), located in coding exon 7 of the PALLD gene, results from an A to T substitution at nucleotide position 1235. The aspartic acid at codon 412 is replaced by valine, an amino acid with highly dissimilar properties. This amino acid position is conserved. In addition, this alteration is predicted to be deleterious by in silico analysis. Based on the available evidence, the clinical significance of this variant remains unclear.

NM_001166108.2(PALLD):c.2747A>T (p.Asp916Val)

Genes: CBR4 (carbonyl reductase 4; minus strand), PALLD (palladin, cytoskeletal associated protein; plus strand). Cytogenetic location: 4q32.3.
Variant type: single nucleotide variant.
Coding change: c.2747A>T on transcript NM_001166108.2 (MANE Select); coding-DNA position 2747, A replaced by T.
Protein change: p.Asp916Val; replaces aspartic acid 916 with valine.
Molecular consequence: missense variant.
Genome position (GRCh38, 1-based): chr4:168,915,924, A>T. VCF-style: chr4-168915924-A-T. GRCh37 (hg19) VCF-style: chr4-169837075-A-T.
Other names: c.1550A>T, p.Asp517Val (NM_001166109.2); c.1235A>T, p.Asp412Val (NM_001166110.2); c.575A>T, p.Asp192Val (NM_001367567.1, NM_001367569.1); c.626A>T, p.Asp209Val (NM_001367568.1, NM_001367570.1); c.2696A>T, p.Asp899Val (NM_016081.4); short protein forms D916V, D899V, D192V, D209V, D412V, D517V.
Identifiers: ClinVar variation 3927514 (VCV003927514.1).
Genomic context (GRCh38, chr4:168,915,924, plus strand): 5'-TCTATCTATCTGTCATCTTTCTTGTTTCAAGGCCTCGTTCTAGATCAAGGGACAGTGGAG[A>T]CGAAAATGAACCAATTCAGGAGCGATTCTTCAGACCTCACTTCTTGCAGGCTCCTGGAGA-3'
Protein context (NP_001159580.1, residues 906-926): RPRSRSRDSG[Asp916Val]ENEPIQERFF